The following is an entry in ClinVar:

ClinVar aggregate classification (germline): Likely benign (1 of 4 stars; one submission).

Allele frequency attached by ClinVar (database versions not stated): gnomAD 0.00044; ExAC 0.00049; TOPMed 0.00054; 1000 Genomes Project 0.00060; 1000 Genomes Project 30x 0.00062; ESP Exome Variant Server 0.00062.
gnomAD v4.1: 843 of 1,614,158 alleles (0.052%); highest among the groups gnomAD compares: Middle Eastern, 0.066%; no homozygotes.

Submission:

CeGaT Center for Human Genetics Tuebingen
Classification: Likely benign. Last evaluated: 2022-10-01. Review status: criteria provided, single submitter. Criteria: CeGaT Center For Human Genetics Tuebingen Variant Classification Criteria Version 2. Collection method: clinical testing. Allele origin: germline. Affected: yes. Observed: 1 variant allele.
Comment: IQCN: BP4, BP7

NM_001145304.2(IQCN):c.1605G>A (p.Ala535=)

Gene: IQCN (IQ motif containing N; minus strand). Cytogenetic location: 19p13.11.
Variant type: single nucleotide variant.
Coding change: c.1605G>A on transcript NM_001145304.2 (MANE Select); coding-DNA position 1605, G replaced by A.
Protein change: p.Ala535=; no amino-acid change (alanine 535 retained).
Molecular consequence: synonymous variant.
Genome position (GRCh38, 1-based): chr19:18,265,935, C>T on the plus strand (G>A on the coding strand, the complement: IQCN is on the minus strand). VCF-style: chr19-18265935-C-T. GRCh37 (hg19) VCF-style: chr19-18376745-C-T.
Other names: c.1467G>A, p.Ala489= (NM_001145305.2); c.1605G>A, p.Ala535= (NM_025249.4).
Identifiers: ClinVar variation 2649579 (VCV002649579.24), dbSNP rs138064943, ClinGen allele CA9309452.